The following is an entry in ClinVar:

NM_015047.3(EMC1):c.733C>T (p.Leu245Phe)

Genes: EMC1 (ER membrane protein complex subunit 1; minus strand), EMC1-AS1 (EMC1 antisense RNA 1; plus strand). Cytogenetic location: 1p36.13.
Variant type: single nucleotide variant.
Coding change: c.733C>T on transcript NM_015047.3 (MANE Select); coding-DNA position 733, C replaced by T.
Protein change: p.Leu245Phe; replaces leucine 245 with phenylalanine.
Molecular consequence: missense variant. On other transcripts: non-coding transcript variant (1).
Genome position (GRCh38, 1-based): chr1:19,240,350, G>A on the plus strand (C>T on the coding strand, the complement: EMC1 is on the minus strand). VCF-style: chr1-19240350-G-A. GRCh37 (hg19) VCF-style: chr1-19566844-G-A.
Other names: c.733C>T, p.Leu245Phe (NM_001271427.2, NM_001271428.2, NM_001375820.1 and 1 more transcripts); c.667C>T, p.Leu223Phe (NM_001271429.2); short protein forms L223F, L245F.
Identifiers: ClinVar variation 2902903 (VCV002902903.3), dbSNP rs753983035, ClinGen allele CA652811.
Genomic context (GRCh38, chr1:19,240,350, plus strand): 5'-CTCTCACCTGCAGTGGGATCTGTCTCAACTCCCATTCCGTCTCCAGAGCCAAAGTTTGGA[G>A]GGAACGTGAGCTCGGGTCAGGACACACCAGGACAGCCTCATCCACCACACCACAGGCTCC-3'
Protein context (NP_055862.1, residues 235-255): LVCPDPSSRS[Leu245Phe]QTLALETEWE

ClinVar aggregate classification (germline): Uncertain significance (1 of 4 stars; one submission).

Allele frequency attached by ClinVar (database versions not stated): gnomAD exomes 0.00001; ExAC 0.00003.
gnomAD v4.1: 13 of 1,614,216 alleles (0.00081%); highest among the groups gnomAD compares: South Asian, 0.013%; no homozygotes.

Submission:

Labcorp Genetics (formerly Invitae), Labcorp
Classification: Uncertain significance. Last evaluated: 2022-11-01. Review status: criteria provided, single submitter. Criteria: Invitae Variant Classification Sherloc (09022015). Collection method: clinical testing. Allele origin: germline.
Comment: This sequence change replaces leucine, which is neutral and non-polar, with phenylalanine, which is neutral and non-polar, at codon 245 of the EMC1 protein (p.Leu245Phe). This variant is present in population databases (rs753983035, gnomAD 0.02%). In summary, the available evidence is currently insufficient to determine the role of this variant in disease. Therefore, it has been classified as a Variant of Uncertain Significance. Advanced modeling of protein sequence and biophysical properties (such as structural, functional, and spatial information, amino acid conservation, physicochemical variation, residue mobility, and thermodynamic stability) performed at Invitae indicates that this missense variant is not expected to disrupt EMC1 protein function. This variant has not been reported in the literature in individuals affected with EMC1-related conditions.